The following is an entry in ClinVar:

NM_001035.3(RYR2):c.2112T>C (p.Ser704=)

Gene: RYR2 (ryanodine receptor 2; plus strand). Cytogenetic location: 1q43.
Variant type: single nucleotide variant.
Coding change: c.2112T>C on transcript NM_001035.3 (MANE Select); coding-DNA position 2112, T replaced by C.
Protein change: p.Ser704=; no amino-acid change (serine 704 retained).
Molecular consequence: synonymous variant.
Genome position (GRCh38, 1-based): chr1:237,496,661, T>C. VCF-style: chr1-237496661-T-C. GRCh37 (hg19) VCF-style: chr1-237659961-T-C.
Identifiers: ClinVar variation 3385684 (VCV003385684.1).
Genomic context (GRCh38, chr1:237,496,661, plus strand): 5'-CTTTGTGACAGCTGAAGCAACTCACCTGCGAGTGGGCTGGGCTTCCACTGAAGGATATTC[T>C]CCCTACCCTGGAGGGGGCGAAGAGTGGGGTGGAAATGGTGTTGGAGATGATCTCTTCTCC-3'
Protein context (NP_001026.2, residues 694-714): RVGWASTEGY[Ser704=]PYPGGGEEWG

ClinVar aggregate classification (germline): Likely benign (1 of 4 stars; one submission).

Conditions:
Catecholaminergic polymorphic ventricular tachycardia (CVPT). Also called: Catecholamine-induced polymorphic ventricular tachycardia. Identifiers: Orphanet 3286, MedGen C5574922, MONDO:0017990.

gnomAD v4.1: 3 of 1,613,952 alleles (0.00019%); highest among the groups gnomAD compares: Non-Finnish European, 0.00025%; no homozygotes.

Submission:

All of Us Research Program, National Institutes of Health
Classification: Likely benign for Catecholaminergic polymorphic ventricular tachycardia. Last evaluated: 2024-07-29. Review status: criteria provided, single submitter. Criteria: ACMG Guidelines, 2015. Collection method: clinical testing. Allele origin: germline. Inheritance: Autosomal dominant inheritance. Observed: 1 variant allele, 1 heterozygote.
Comment: This study involves interpretation of variants in research participants for the purpose of population health screening. Participant phenotype was not available at the time of variant classification. Additional details can be found in publication PMID: 35346344, PMCID: PMC8962531